The following is an entry in ClinVar:

ClinVar aggregate classification (germline): Pathogenic. Review status: criteria provided, multiple submitters, no conflicts (2 of 4 stars). 4 submissions from 4 submitters: Pathogenic (3). 1 of the submissions does not count toward it. Last evaluated 2025-01-11.
ClinVar aggregate classification (oncogenicity): Likely oncogenic (1 of 4 stars; one submission).

Conditions:
Familial adenomatous polyposis 1 (FAP1). Also called: POLYPOSIS, ADENOMATOUS INTESTINAL; FAMILIAL ADENOMATOUS POLYPOSIS 1, ATTENUATED. Identifiers: MedGen C2713442, MONDO:0021056, OMIM 175100. Disease mechanism: loss of function.
Neoplasm. Also called: Neoplasms; Neoplasm (disease); tumor. Identifiers: MedGen C0027651, MeSH D009369, MONDO:0005070, HP:0002664.

Submissions (5):

Center for Genomic Medicine, Rigshospitalet, Copenhagen University Hospital
Classification: Likely oncogenic for Neoplasm. Last evaluated: 2025-03-04. Review status: criteria provided, single submitter. Criteria: ClinGen/CGC/VICC Guidelines for Oncogenicity, 2022. Collection method: clinical testing. Allele origin: somatic. Affected: yes.

Labcorp Genetics (formerly Invitae), Labcorp
Classification: Pathogenic for Familial adenomatous polyposis 1. Last evaluated: 2025-01-11. Review status: criteria provided, single submitter. Criteria: Invitae Variant Classification Sherloc (09022015). Collection method: clinical testing. Allele origin: germline.
Comment: This sequence change creates a premature translational stop signal (p.Lys1462Glufs*6) in the APC gene. While this is not anticipated to result in nonsense mediated decay, it is expected to disrupt the last 1382 amino acid(s) of the APC protein. This variant is not present in population databases (gnomAD no frequency). This premature translational stop signal has been observed in individual(s) with familial adenomatous polyposis (FAP) (PMID: 19444466, 20685668). ClinVar contains an entry for this variant (Variation ID: 433661). This variant is expected to disrupt the EB1 and HDLG binding sites, which mediate interactions with the cytoskeleton (PMID: 15311282, 17293347). While functional studies have not been performed to directly test the effect on APC protein function, this suggests that disruption of the C-terminal portion of the protein is functionally important. A different truncation (p.Tyr2645Lysfs*14) that lies downstream of this variant has been determined to be pathogenic (PMID: 9824584, 1316610, 27081525, 8381579, 22135120, internal data). This suggests that deletion of this region of the APC protein is causative of disease. For these reasons, this variant has been classified as Pathogenic.

Myriad Genetics, Inc.
Classification: Pathogenic for Familial adenomatous polyposis 1. Last evaluated: 2023-05-10. Review status: criteria provided, single submitter. Criteria: Myriad Autosomal Dominant, Autosomal Recessive and X-Linked Classification Criteria (2023). Collection method: clinical testing. Allele origin: unknown.
Comment: This variant is considered pathogenic. This variant creates a frameshift predicted to result in premature protein truncation.

University of Science and Technology Houari Boumediene, Laboratory of Molecular and Cellular Biology (LBCM)
Classification: Pathogenic for Familial adenomatous polyposis 1. Review status: criteria provided, single submitter. Criteria: ACMG Guidelines, 2015. Collection method: clinical testing. Allele origin: germline. Inheritance: Autosomal dominant inheritance. Affected: yes.

Department of Pathology and Laboratory Medicine, Sinai Health System
Classification: Uncertain significance. Review status: no assertion criteria provided. Collection method: clinical testing. Allele origin: unknown. Affected: yes. Observed: 2 variant alleles. Study: The Canadian Open Genetics Repository (COGR). Not counted in ClinVar's aggregate classification.

Literature cited by the submitters: PubMed 34352208 (cited by Center for Genomic Medicine, Rigshospitalet, Copenhagen University Hospital); PubMed 19444466 (cited by Labcorp Genetics (formerly Invitae), Labcorp); PubMed 20685668 (cited by Labcorp Genetics (formerly Invitae), Labcorp); PubMed 15311282 (cited by Labcorp Genetics (formerly Invitae), Labcorp); PubMed 17293347 (cited by Labcorp Genetics (formerly Invitae), Labcorp); PubMed 9824584 (cited by Labcorp Genetics (formerly Invitae), Labcorp); PubMed 1316610 (cited by Labcorp Genetics (formerly Invitae), Labcorp); PubMed 27081525 (cited by Labcorp Genetics (formerly Invitae), Labcorp); PubMed 8381579 (cited by Labcorp Genetics (formerly Invitae), Labcorp); PubMed 22135120 (cited by Labcorp Genetics (formerly Invitae), Labcorp); PubMed 35142982 (cited by University of Science and Technology Houari Boumediene, Laboratory of Molecular and Cellular Biology (LBCM)).

NM_000038.6(APC):c.4384_4385del (p.Lys1462fs)

Gene: APC (APC regulator of Wnt signaling pathway; plus strand). Cytogenetic location: 5q22.2.
Variant type: Deletion.
Coding change: c.4384_4385del on transcript NM_000038.6 (MANE Select); coding-DNA positions 4384 to 4385, 2 bases deleted (AA; older notation c.4384_4385delAA).
Protein change: p.Lys1462fs; shifts the reading frame from lysine 1462.
Molecular consequence: frameshift variant.
Genome position (GRCh38, 1-based): chr5:112,839,978-112,839,979, AA deleted; deleting any 2 consecutive bases within chr5:112,839,976-112,839,979 gives the same sequence; the c. name uses the placement nearest the transcript's 3' end. VCF-style (leftmost placement, unchanged base first): chr5-112839975-GAA-G. GRCh37 (hg19) VCF-style: chr5-112175672-GAA-G.
Other names: c.4384_4385del, p.Lys1462fs (NM_001127510.3, NM_001354895.2); c.4330_4331del, p.Lys1444fs (NM_001127511.3); c.4438_4439del, p.Lys1480fs (NM_001354896.2); c.4414_4415del, p.Lys1472fs (NM_001354897.2); c.4309_4310del, p.Lys1437fs (NM_001354898.2); c.4300_4301del, p.Lys1434fs (NM_001354899.2); c.4261_4262del, p.Lys1421fs (NM_001354900.2); c.4207_4208del, p.Lys1403fs (NM_001354901.2); and 6 more; short protein forms K1302fs, K1403fs, K1179fs, K1336fs, K1361fs, K1437fs, K1371fs, K1444fs.
Identifiers: ClinVar variation 433661 (VCV000433661.13), dbSNP rs1554085846, ClinGen allele CA645372795.